The following is an entry in ClinVar:

ClinVar aggregate classification (germline): Uncertain significance. Review status: criteria provided, multiple submitters, no conflicts (2 of 4 stars). 2 submissions from 2 submitters: Uncertain significance (2). Last evaluated 2024-03-26.

Allele frequency attached by ClinVar (database versions not stated): gnomAD exomes below 0.00001; ExAC 0.00001; gnomAD 0.00001; TOPMed 0.00001.
gnomAD v4.1: 7 of 1,613,676 alleles (0.00043%); highest among the groups gnomAD compares: Admixed American, 0.0083%; no homozygotes.

Submissions (2):

Labcorp Genetics (formerly Invitae), Labcorp
Classification: Uncertain significance. Last evaluated: 2024-03-26. Review status: criteria provided, single submitter. Criteria: Invitae Variant Classification Sherloc (09022015). Collection method: clinical testing. Allele origin: germline.
Comment: This sequence change replaces tyrosine, which is neutral and polar, with cysteine, which is neutral and slightly polar, at codon 3944 of the HMCN1 protein (p.Tyr3944Cys). This variant is present in population databases (rs758772278, gnomAD 0.003%). This variant has not been reported in the literature in individuals affected with HMCN1-related conditions. An algorithm developed to predict the effect of missense changes on protein structure and function (PolyPhen-2) suggests that this variant is likely to be disruptive. In summary, the available evidence is currently insufficient to determine the role of this variant in disease. Therefore, it has been classified as a Variant of Uncertain Significance.

Ambry Genetics
Classification: Uncertain significance. Last evaluated: 2024-01-23. Review status: criteria provided, single submitter. Criteria: Ambry Variant Classification Scheme 2023. Collection method: clinical testing. Allele origin: germline.

NM_031935.3(HMCN1):c.11831A>G (p.Tyr3944Cys)

Gene: HMCN1 (hemicentin 1; plus strand). Cytogenetic location: 1q31.1.
Variant type: single nucleotide variant.
Coding change: c.11831A>G on transcript NM_031935.3 (MANE Select); coding-DNA position 11831, A replaced by G.
Protein change: p.Tyr3944Cys; replaces tyrosine 3944 with cysteine.
Molecular consequence: missense variant.
Genome position (GRCh38, 1-based): chr1:186,117,606, A>G. VCF-style: chr1-186117606-A-G. GRCh37 (hg19) VCF-style: chr1-186086738-A-G.
Other names: c.11831A>G (NM_031935.2); short protein forms Y3944C.
Identifiers: ClinVar variation 2722022 (VCV002722022.4), dbSNP rs758772278, ClinGen allele CA1294161.
Genomic context (GRCh38, chr1:186,117,606, plus strand): 5'-CATTTCCCTCAATTCACTGGACCAAAAATGGTATAAGACTGCTTCCCAGGGGAGATGGCT[A>G]TAGAATTCTGTCCTCAGGTAAGACCAAGCTCAGTGATTTCACATCTATTGATTGTATTAT-3'
Protein context (NP_114141.2, residues 3934-3954): GIRLLPRGDG[Tyr3944Cys]RILSSGAIEI